The following is an entry in ClinVar:

NM_006424.3(SLC34A2):c.1089T>C (p.Ala363=)

Gene: SLC34A2 (solute carrier family 34 member 2; plus strand). Cytogenetic location: 4p15.2.
Variant type: single nucleotide variant.
Coding change: c.1089T>C on transcript NM_006424.3 (MANE Select); coding-DNA position 1089, T replaced by C.
Protein change: p.Ala363=; no amino-acid change (alanine 363 retained).
Molecular consequence: synonymous variant.
Genome position (GRCh38, 1-based): chr4:25,673,127, T>C. VCF-style: chr4-25673127-T-C. GRCh37 (hg19) VCF-style: chr4-25674749-T-C.
Other names: c.1086T>C, p.Ala362= (NM_001177998.2, NM_001177999.2); c.1089T>C (NM_006424.2).
Identifiers: ClinVar variation 1536531 (VCV001536531.13), dbSNP rs34723230, ClinGen allele CA2879685.
Genomic context (GRCh38, chr4:25,673,127, plus strand): 5'-GATTCTTTGTGGTCTTTCAGGCCAGCATATCTTTGTGAATTTCCACCTCCCGGATCTTGC[T>C]GTGGGCACCATCTTGCTCATACTCTCCCTGCTGGTCCTCTGTGGTTGCCTGATCATGATT-3'
Protein context (NP_006415.3, residues 353-373): IFVNFHLPDL[Ala363=]VGTILLILSL

ClinVar aggregate classification (germline): Benign/Likely benign. Review status: criteria provided, multiple submitters, no conflicts (2 of 4 stars). 4 submissions from 4 submitters: Benign (2); Likely benign (1). 1 of the submissions does not count toward it. Last evaluated 2026-06-01.

Conditions:
SLC34A2-related disorder. Also called: SLC34A2-related condition.

Allele frequency attached by ClinVar (database versions not stated): gnomAD exomes 0.00099; ExAC 0.00125; gnomAD 0.00369 and 0.00388; ESP Exome Variant Server 0.00408; TOPMed 0.00427; 1000 Genomes Project 0.00639; 1000 Genomes Project 30x 0.00703.
gnomAD v4.1: 1,100 of 1,614,152 alleles (0.068%); highest among the groups gnomAD compares: African/African-American, 1.3%; 6 homozygotes.

Submissions (4):

CeGaT Center for Human Genetics Tuebingen
Classification: Likely benign. Last evaluated: 2026-06-01. Review status: criteria provided, single submitter. Criteria: CeGaT Center For Human Genetics Tuebingen Variant Classification Criteria Version 2. Collection method: clinical testing. Allele origin: germline. Affected: yes. Observed: 1 variant allele.
Comment: SLC34A2: BP4, BP7, BS1

Labcorp Genetics (formerly Invitae), Labcorp
Classification: Benign. Last evaluated: 2025-12-23. Review status: criteria provided, single submitter. Criteria: Invitae Variant Classification Sherloc (09022015). Collection method: clinical testing. Allele origin: germline.

Breakthrough Genomics
Classification: Benign. Review status: criteria provided, single submitter. Criteria: ACMG Guidelines, 2015. Collection method: not provided. Allele origin: germline. Inheritance: Autosomal recessive inheritance. Affected: yes.

PreventionGenetics, part of Exact Sciences
Classification: Benign for SLC34A2-related condition. Last evaluated: 2019-05-08. Review status: no assertion criteria provided. Collection method: clinical testing. Allele origin: germline. Not counted in ClinVar's aggregate classification.
Comment: This variant is classified as benign based on ACMG/AMP sequence variant interpretation guidelines (Richards et al. 2015 PMID: 25741868, with internal and published modifications).